The following is an entry in ClinVar:

NM_000135.4(FANCA):c.750C>G (p.Asn250Lys)

Gene: FANCA (FA complementation group A; minus strand). Cytogenetic location: 16q24.3.
Variant type: single nucleotide variant.
Coding change: c.750C>G on transcript NM_000135.4 (MANE Select); coding-DNA position 750, C replaced by G.
Protein change: p.Asn250Lys; replaces asparagine 250 with lysine.
Molecular consequence: missense variant.
Genome position (GRCh38, 1-based): chr16:89,803,301, G>C on the plus strand (C>G on the coding strand, the complement: FANCA is on the minus strand). VCF-style: chr16-89803301-G-C. GRCh37 (hg19) VCF-style: chr16-89869709-G-C.
Other names: c.750C>G, p.Asn250Lys (NM_001018112.3, NM_001286167.3); c.654C>G, p.Asn218Lys (NM_001351830.2); short protein forms N218K, N250K.
Identifiers: ClinVar variation 4022315 (VCV004022315.1).
Genomic context (GRCh38, chr16:89,803,301, plus strand): 5'-CTTGACTTTTCCTCCTACCTGCGGCATTTTTTCAGGCTCCACAGTTCTTCTCAGATCTGA[G>C]TTTTTCTGAAATCCCCTCAAAACAAACATTTGAACAAAATCTGAAAAACCATAAAACCAA-3'
Protein context (NP_000126.2, residues 240-260): QMFVLRGFQK[Asn250Lys]SDLRRTVEPE

ClinVar aggregate classification (germline): Uncertain significance (1 of 4 stars; one submission).

Conditions:
Inborn genetic diseases. Identifiers: MedGen C0950123, MeSH D030342.

gnomAD v4.1: 1 of 1,614,076 alleles (0.000062%); highest among the groups gnomAD compares: South Asian, 0.0011%; no homozygotes.

Submission:

Ambry Genetics
Classification: Uncertain significance for Inborn genetic diseases. Last evaluated: 2025-05-25. Review status: criteria provided, single submitter. Criteria: Ambry Variant Classification Scheme 2023. Collection method: clinical testing. Allele origin: germline.
Comment: The p.N250K variant (also known as c.750C>G), located in coding exon 8 of the FANCA gene, results from a C to G substitution at nucleotide position 750. The asparagine at codon 250 is replaced by lysine, an amino acid with similar properties. This amino acid position is conserved. In addition, this alteration is predicted to be tolerated by in silico analysis. Based on the available evidence, the clinical significance of this variant remains unclear.